The following is an entry in ClinVar:

ClinVar aggregate classification (germline): Likely benign (1 of 4 stars; one submission).

gnomAD v4.1: 53 of 1,610,818 alleles (0.0033%); highest among the groups gnomAD compares: Middle Eastern, 0.017%; no homozygotes.

Submission:

CeGaT Center for Human Genetics Tuebingen
Classification: Likely benign. Last evaluated: 2026-04-01. Review status: criteria provided, single submitter. Criteria: CeGaT Center For Human Genetics Tuebingen Variant Classification Criteria Version 2. Collection method: clinical testing. Allele origin: germline. Affected: yes. Observed: 1 variant allele.
Comment: ZFHX4: BP4, BP7

NM_024721.5(ZFHX4):c.3360T>C (p.Asp1120=)

Gene: ZFHX4 (zinc finger homeobox 4; plus strand). Cytogenetic location: 8q21.13.
Variant type: single nucleotide variant.
Coding change: c.3360T>C on transcript NM_024721.5 (MANE Select); coding-DNA position 3360, T replaced by C.
Protein change: p.Asp1120=; no amino-acid change (aspartic acid 1120 retained).
Molecular consequence: synonymous variant.
Genome position (GRCh38, 1-based): chr8:76,833,372, T>C. VCF-style: chr8-76833372-T-C. GRCh37 (hg19) VCF-style: chr8-77745608-T-C.
Other names: c.3282T>C, p.Asp1094= (NM_001410934.1).
Identifiers: ClinVar variation 4872740 (VCV004872740.2).
Genomic context (GRCh38, chr8:76,833,372, plus strand): 5'-ACCTTTCACTCTGATGTCTTCTGCAGAAACTGCCTCATTGGGAGCCAGGACTTGTGATGA[T>C]GATCTTACAGAGCAGCAGTTGAGATCGACCTCAGGTAATGGTTCCTACTCCTTCTCAAAA-3'
Protein context (NP_078997.4, residues 1110-1130): TASLGARTCD[Asp1120=]DLTEQQLRST